The following is an entry in ClinVar:

ClinVar aggregate classification (germline): Conflicting classifications of pathogenicity. Review status: criteria provided, conflicting classifications (1 of 4 stars). 6 submissions from 6 submitters: Uncertain significance (2); Likely benign (3). 1 of the submissions does not count toward it. Last evaluated 2026-01-22.

Conditions:
TSPEAR-related disorder. Also called: TSPEAR-related condition.

Allele frequency attached by ClinVar (database versions not stated): gnomAD exomes 0.00109 and 0.00199; TOPMed 0.00134; gnomAD 0.00140 and 0.00147; 1000 Genomes Project 0.00040; 1000 Genomes Project 30x 0.00062; ExAC 0.00101; ESP Exome Variant Server 0.00177.
gnomAD v4.1: 3,058 of 1,612,918 alleles (0.19%); highest among the groups gnomAD compares: Non-Finnish European, 0.25%; 5 homozygotes.

Submissions (6):

Labcorp Genetics (formerly Invitae), Labcorp
Classification: Likely benign. Last evaluated: 2026-01-22. Review status: criteria provided, single submitter. Criteria: Invitae Variant Classification Sherloc (09022015). Collection method: clinical testing. Allele origin: germline.

CeGaT Center for Human Genetics Tuebingen
Classification: Likely benign. Last evaluated: 2025-12-01. Review status: criteria provided, single submitter. Criteria: CeGaT Center For Human Genetics Tuebingen Variant Classification Criteria Version 2. Collection method: clinical testing. Allele origin: germline. Affected: yes. Observed: 4 variant alleles.
Comment: TSPEAR: BS2

Blueprint Genetics
Classification: Uncertain significance. Last evaluated: 2024-11-28. Review status: criteria provided, single submitter. Criteria: ACMG Guidelines, 2015. Collection method: clinical testing. Allele origin: germline.

GeneDx
Classification: Likely benign. Last evaluated: 2021-01-27. Review status: criteria provided, single submitter. Criteria: GeneDx Variant Classification Process June 2021. Collection method: clinical testing. Allele origin: germline. Affected: yes.

Laboratory for Molecular Medicine, Mass General Brigham Personalized Medicine
Classification: Uncertain significance. Last evaluated: 2016-05-02. Review status: criteria provided, single submitter. Criteria: LMM Criteria. Collection method: clinical testing. Allele origin: germline. Observed: 2 variant alleles.
Comment: Variant classified as Uncertain Significance - Favor Benign. The c.1566+5G>A var iant in TSPEAR has not been previously reported in individuals with hearing loss , but has been identified in 0.2% (112/65824) of European chromosomes by the Exo me Aggregation Consortium (ExAC; dbSNP rs1170345 81). This variant is located in the 5' splice region. Computational tools do not suggest an impact to splicing. However, this information is not predictive enou gh to rule out pathogenicity. In summary, while the clinical significance of the c.1566+5G>A variant is uncertain, its frequency suggests that it is more likely to be benign.

PreventionGenetics, part of Exact Sciences
Classification: Likely benign for TSPEAR-related condition. Last evaluated: 2024-09-26. Review status: no assertion criteria provided. Collection method: clinical testing. Allele origin: germline. Not counted in ClinVar's aggregate classification.
Comment: This variant is classified as likely benign based on ACMG/AMP sequence variant interpretation guidelines (Richards et al. 2015 PMID: 25741868, with internal and published modifications).

NM_144991.3(TSPEAR):c.1566+5G>A

Gene: TSPEAR (thrombospondin type laminin G domain and EAR repeats; minus strand). Cytogenetic location: 21q22.3.
Variant type: single nucleotide variant.
Coding change: c.1566+5G>A on transcript NM_144991.3 (MANE Select); 5 bases into the intron after coding-DNA position 1566, G replaced by A.
Molecular consequence: intron variant.
Genome position (GRCh38, 1-based): chr21:44,521,878, C>T on the plus strand (G>A on the coding strand, the complement: TSPEAR is on the minus strand). VCF-style: chr21-44521878-C-T. GRCh37 (hg19) VCF-style: chr21-45941761-C-T.
Other names: c.1362+5G>A (NM_001272037.2).
Identifiers: ClinVar variation 504869 (VCV000504869.48), dbSNP rs117034581, ClinGen allele CA10056533.